The following is an entry in ClinVar:

ClinVar aggregate classification (germline): Likely benign (0 of 4 stars; one submission).

Conditions:
ALMS1-related disorder. Also called: ALMS1-related condition.

Submission:

PreventionGenetics, part of Exact Sciences
Classification: Likely benign for ALMS1-related condition. Last evaluated: 2024-09-27. Review status: no assertion criteria provided. Collection method: clinical testing. Allele origin: germline.
Comment: This variant is classified as likely benign based on ACMG/AMP sequence variant interpretation guidelines (Richards et al. 2015 PMID: 25741868, with internal and published modifications).

NM_001378454.1(ALMS1):c.11098C>A (p.His3700Asn)

Gene: ALMS1 (ALMS1 centrosome and basal body associated protein; plus strand). Cytogenetic location: 2p13.1.
Variant type: single nucleotide variant.
Coding change: c.11098C>A on transcript NM_001378454.1 (MANE Select); coding-DNA position 11098, C replaced by A.
Protein change: p.His3700Asn; replaces histidine 3700 with asparagine.
Molecular consequence: missense variant.
Genome position (GRCh38, 1-based): chr2:73,572,975, C>A. VCF-style: chr2-73572975-C-A. GRCh37 (hg19) VCF-style: chr2-73800102-C-A.
Other names: c.11101C>A, p.His3701Asn (NM_015120.4); short protein forms H3700N, H3701N.
Identifiers: ClinVar variation 3350896 (VCV003350896.1).